The following is an entry in ClinVar:

ClinVar aggregate classification (germline): Pathogenic (1 of 4 stars; one submission).

Submission:

Labcorp Genetics (formerly Invitae), Labcorp
Classification: Pathogenic. Last evaluated: 2025-12-20. Review status: criteria provided, single submitter. Criteria: Invitae Variant Classification Sherloc (09022015). Collection method: clinical testing. Allele origin: germline.
Comment: This sequence change creates a premature translational stop signal (p.Lys716Argfs*29) in the PCARE gene. It is expected to result in an absent or disrupted protein product. Loss-of-function variants in PCARE are known to be pathogenic (PMID: 20398886, 24339724, 26496393). This variant is present in population databases (no rsID available, gnomAD 0.01%). This variant has not been reported in the literature in individuals affected with PCARE-related conditions. For these reasons, this variant has been classified as Pathogenic.

Literature cited by the submitters: PubMed 20398886; PubMed 24339724; PubMed 26496393.

NM_001029883.3(PCARE):c.2145del (p.Lys716fs)

Gene: PCARE (photoreceptor cilium actin regulator; minus strand). Cytogenetic location: 2p23.2.
Variant type: Deletion.
Coding change: c.2145del on transcript NM_001029883.3 (MANE Select); coding-DNA position 2145, one base deleted (C; older notation c.2145delC).
Protein change: p.Lys716fs; shifts the reading frame from lysine 716.
Molecular consequence: frameshift variant.
Genome position (GRCh38, 1-based): chr2:29,072,117, G deleted on the plus strand (C on the coding strand, the reverse complement: PCARE is on the minus strand); the first of 2 consecutive G bases (chr2:29,072,117-29,072,118); deleting either gives the same sequence. VCF-style (leftmost placement, unchanged base first): chr2-29072116-TG-T. GRCh37 (hg19) VCF-style: chr2-29294982-TG-T.
Other names: short protein forms K716fs.
Identifiers: ClinVar variation 4710693 (VCV004710693.1).